The following is an entry in ClinVar:

NM_005263.5(GFI1):c.128A>T (p.Asn43Ile)

Gene: GFI1 (growth factor independent 1 transcriptional repressor; minus strand). Cytogenetic location: 1p22.1.
Variant type: single nucleotide variant.
Coding change: c.128A>T on transcript NM_005263.5 (MANE Select); coding-DNA position 128, A replaced by T.
Protein change: p.Asn43Ile; replaces asparagine 43 with isoleucine.
Molecular consequence: missense variant.
Genome position (GRCh38, 1-based): chr1:92,483,034, T>A on the plus strand (A>T on the coding strand, the complement: GFI1 is on the minus strand). VCF-style: chr1-92483034-T-A. GRCh37 (hg19) VCF-style: chr1-92948591-T-A.
Other names: c.128A>T, p.Asn43Ile (NM_001127215.3, NM_001127216.3); short protein forms N43I.
Identifiers: ClinVar variation 2014733 (VCV002014733.5), dbSNP rs769149614, ClinGen allele CA341150628.

ClinVar aggregate classification (germline): Uncertain significance. Review status: criteria provided, multiple submitters, no conflicts (2 of 4 stars). 2 submissions from 2 submitters: Uncertain significance (2). Last evaluated 2025-06-10.

Conditions:
Neutropenia, severe congenital, 2, autosomal dominant. Identifiers: Orphanet 486, MedGen C2751288, MONDO:0013139, OMIM 613107.

gnomAD v4.1: 3 of 1,594,696 alleles (0.00019%); highest among the groups gnomAD compares: African/African-American, 0.004%; no homozygotes.

Submissions (2):

Labcorp Genetics (formerly Invitae), Labcorp
Classification: Uncertain significance for Neutropenia, severe congenital, 2, autosomal dominant. Last evaluated: 2025-06-10. Review status: criteria provided, single submitter. Criteria: Invitae Variant Classification Sherloc (09022015). Collection method: clinical testing. Allele origin: germline.
Comment: This sequence change replaces asparagine, which is neutral and polar, with isoleucine, which is neutral and non-polar, at codon 43 of the GFI1 protein (p.Asn43Ile). This variant is not present in population databases (gnomAD no frequency). This variant has not been reported in the literature in individuals affected with GFI1-related conditions. ClinVar contains an entry for this variant (Variation ID: 2014733). Invitae Evidence Modeling of protein sequence and biophysical properties (such as structural, functional, and spatial information, amino acid conservation, physicochemical variation, residue mobility, and thermodynamic stability) indicates that this missense variant is not expected to disrupt GFI1 protein function with a negative predictive value of 80%. In summary, the available evidence is currently insufficient to determine the role of this variant in disease. Therefore, it has been classified as a Variant of Uncertain Significance.

Ambry Genetics
Classification: Uncertain significance. Last evaluated: 2024-12-14. Review status: criteria provided, single submitter. Criteria: Ambry Variant Classification Scheme 2023. Collection method: clinical testing. Allele origin: germline.
Comment: The p.N43I variant (also known as c.128A>T), located in coding exon 2 of the GFI1 gene, results from an A to T substitution at nucleotide position 128. The asparagine at codon 43 is replaced by isoleucine, an amino acid with dissimilar properties. This amino acid position is conserved. In addition, this alteration is predicted to be tolerated by in silico analysis. Based on the available evidence, the clinical significance of this variant remains unclear.